The following is an entry in ClinVar:

ClinVar aggregate classification (germline): Uncertain significance. Review status: criteria provided, multiple submitters, no conflicts (2 of 4 stars). 2 submissions from 2 submitters: Uncertain significance (2). Last evaluated 2024-01-17.

Conditions:
Hereditary cancer-predisposing syndrome. Also called: Tumor predisposition; Neoplastic Syndromes, Hereditary; Hereditary Cancer Syndrome; Hereditary neoplastic syndrome. Identifiers: Orphanet 140162, MedGen C0027672, MeSH D009386, MONDO:0015356.
Birt-Hogg-Dube syndrome. Also called: Birt Hogg Dubé syndrome. Identifiers: Orphanet 122, MedGen C0346010, MONDO:0800444.

Submissions (2):

Labcorp Genetics (formerly Invitae), Labcorp
Classification: Uncertain significance for Birt-Hogg-Dube syndrome. Last evaluated: 2024-01-17. Review status: criteria provided, single submitter. Criteria: Invitae Variant Classification Sherloc (09022015). Collection method: clinical testing. Allele origin: germline.
Comment: This sequence change replaces isoleucine, which is neutral and non-polar, with valine, which is neutral and non-polar, at codon 403 of the FLCN protein (p.Ile403Val). This variant is not present in population databases (gnomAD no frequency). This variant has not been reported in the literature in individuals affected with FLCN-related conditions. ClinVar contains an entry for this variant (Variation ID: 2624774). Advanced modeling of protein sequence and biophysical properties (such as structural, functional, and spatial information, amino acid conservation, physicochemical variation, residue mobility, and thermodynamic stability) performed at Invitae indicates that this missense variant is not expected to disrupt FLCN protein function with a negative predictive value of 80%. In summary, the available evidence is currently insufficient to determine the role of this variant in disease. Therefore, it has been classified as a Variant of Uncertain Significance.

Ambry Genetics
Classification: Uncertain significance for Hereditary cancer-predisposing syndrome. Last evaluated: 2023-06-29. Review status: criteria provided, single submitter. Criteria: Ambry Variant Classification Scheme 2023. Collection method: clinical testing. Allele origin: germline.
Comment: The p.I403V variant (also known as c.1207A>G), located in coding exon 8 of the FLCN gene, results from an A to G substitution at nucleotide position 1207. The isoleucine at codon 403 is replaced by valine, an amino acid with highly similar properties. This amino acid position is conserved. In addition, this alteration is predicted to be tolerated by in silico analysis. Since supporting evidence is limited at this time, the clinical significance of this alteration remains unclear.

NM_144997.7(FLCN):c.1207A>G (p.Ile403Val)

Gene: FLCN (folliculin; minus strand). Cytogenetic location: 17p11.2.
Variant type: single nucleotide variant.
Coding change: c.1207A>G on transcript NM_144997.7 (MANE Select); coding-DNA position 1207, A replaced by G.
Protein change: p.Ile403Val; replaces isoleucine 403 with valine.
Molecular consequence: missense variant.
Genome position (GRCh38, 1-based): chr17:17,216,473, T>C on the plus strand (A>G on the coding strand, the complement: FLCN is on the minus strand). VCF-style: chr17-17216473-T-C. GRCh37 (hg19) VCF-style: chr17-17119787-T-C.
Other names: c.1261A>G, p.Ile421Val (NM_001353229.2); c.1207A>G, p.Ile403Val (NM_001353230.2, NM_001353231.2); short protein forms I421V, I403V.
Identifiers: ClinVar variation 2624774 (VCV002624774.5), dbSNP rs2544163867, ClinGen allele CA398531923.